The following is an entry in ClinVar:

NM_139027.6(ADAMTS13):c.1128_1132del (p.Glu376fs)

Gene: ADAMTS13 (ADAM metallopeptidase with thrombospondin type 1 motif 13; plus strand). Cytogenetic location: 9q34.2.
Variant type: Deletion.
Coding change: c.1128_1132del on transcript NM_139027.6 (MANE Select); coding-DNA positions 1128 to 1132, 5 bases deleted (GCTGA; older notation c.1128_1132delGCTGA).
Protein change: p.Glu376fs; shifts the reading frame from glutamic acid 376.
Molecular consequence: frameshift variant.
Genome position (GRCh38, 1-based): chr9:133,433,413-133,433,417, GCTGA deleted; deleting any 5 consecutive bases within chr9:133,433,411-133,433,417 gives the same sequence; the c. name uses the placement nearest the transcript's 3' end. VCF-style (leftmost placement, unchanged base first): chr9-133433410-GGAGCT-G. GRCh37 (hg19) VCF-style: chr9-136298530-GGAGCT-G.
Other names: c.1128_1132del, p.Glu376fs (NM_139025.5); c.1035_1039del, p.Glu345fs (NM_139026.6); short protein forms E376fs, E345fs.
Identifiers: ClinVar variation 1928771 (VCV001928771.5), dbSNP rs1462004544, ClinGen allele CA860753057.
Genomic context (GRCh38, chr9:133,433,410, plus strand): 5'-GGGAGATGAAGCCATCCTTGCCTTGCAGTGGTGCTCCAAGGGTCGCTGCCGCTCCCTGGT[GGAGCT>G]GACCCCCATAGCAGCAGTGCATGGGCGCTGGTCTAGCTGGGGTCCCCGAAGTCCTTGCTC-3'

ClinVar aggregate classification (germline): Pathogenic (1 of 4 stars; one submission).

Submission:

Labcorp Genetics (formerly Invitae), Labcorp
Classification: Pathogenic. Last evaluated: 2022-06-14. Review status: criteria provided, single submitter. Criteria: Invitae Variant Classification Sherloc (09022015). Collection method: clinical testing. Allele origin: germline.
Comment: For these reasons, this variant has been classified as Pathogenic. This variant has not been reported in the literature in individuals affected with ADAMTS13-related conditions. This variant is present in population databases (no rsID available, gnomAD 0.007%). This sequence change creates a premature translational stop signal (p.Glu376Aspfs*12) in the ADAMTS13 gene. It is expected to result in an absent or disrupted protein product. Loss-of-function variants in ADAMTS13 are known to be pathogenic (PMID: 11586351, 12753286, 21781265).

Literature cited by the submitters: PubMed 11586351; PubMed 12753286; PubMed 21781265.